The following is an entry in ClinVar:

NM_014915.3(ANKRD26):c.320A>G (p.Asn107Ser)

Gene: ANKRD26 (ankyrin repeat domain 26; minus strand). Cytogenetic location: 10p12.1.
Variant type: single nucleotide variant.
Coding change: c.320A>G on transcript NM_014915.3 (MANE Select); coding-DNA position 320, A replaced by G.
Protein change: p.Asn107Ser; replaces asparagine 107 with serine.
Molecular consequence: missense variant.
Genome position (GRCh38, 1-based): chr10:27,093,722, T>C on the plus strand (A>G on the coding strand, the complement: ANKRD26 is on the minus strand). VCF-style: chr10-27093722-T-C. GRCh37 (hg19) VCF-style: chr10-27382651-T-C.
Other names: c.320A>G, p.Asn107Ser (NM_001256053.2); short protein forms N107S.
Identifiers: ClinVar variation 1338157 (VCV001338157.10), dbSNP rs756157730, ClinGen allele CA5448983.

ClinVar aggregate classification (germline): Uncertain significance. Review status: criteria provided, multiple submitters, no conflicts (2 of 4 stars). 5 submissions from 5 submitters: Uncertain significance (5). Last evaluated 2024-11-26.

Conditions:
Inborn genetic diseases. Identifiers: MedGen C0950123, MeSH D030342.
Thrombocytopenia 2 (THC2). Also called: ANKRD26-Related Thrombocytopenia. Identifiers: Orphanet 268322, MedGen C1861185, MONDO:0008555, OMIM 188000.

Allele frequency attached by ClinVar (database versions not stated): ExAC 0.00004.
gnomAD v4.1: 31 of 1,614,126 alleles (0.0019%); highest among the groups gnomAD compares: Middle Eastern, 0.016%; no homozygotes.

Submissions (5):

Labcorp Genetics (formerly Invitae), Labcorp
Classification: Uncertain significance. Last evaluated: 2024-11-26. Review status: criteria provided, single submitter. Criteria: Invitae Variant Classification Sherloc (09022015). Collection method: clinical testing. Allele origin: germline.
Comment: This sequence change replaces asparagine, which is neutral and polar, with serine, which is neutral and polar, at codon 107 of the ANKRD26 protein (p.Asn107Ser). This variant is present in population databases (rs756157730, gnomAD 0.007%). This variant has not been reported in the literature in individuals affected with ANKRD26-related conditions. ClinVar contains an entry for this variant (Variation ID: 1338157). An algorithm developed to predict the effect of missense changes on protein structure and function (PolyPhen-2) suggests that this variant is likely to be disruptive. In summary, the available evidence is currently insufficient to determine the role of this variant in disease. Therefore, it has been classified as a Variant of Uncertain Significance.

Ambry Genetics
Classification: Uncertain significance for Inborn genetic diseases. Last evaluated: 2024-11-22. Review status: criteria provided, single submitter. Criteria: Ambry Variant Classification Scheme 2023. Collection method: clinical testing. Allele origin: germline.
Comment: The p.N107S variant (also known as c.320A>G), located in coding exon 2 of the ANKRD26 gene, results from an A to G substitution at nucleotide position 320. The asparagine at codon 107 is replaced by serine, an amino acid with highly similar properties. This amino acid position is conserved. In addition, this alteration is predicted to be tolerated by in silico analysis. Based on the available evidence, the clinical significance of this variant remains unclear.

GeneDx
Classification: Uncertain significance. Last evaluated: 2024-01-07. Review status: criteria provided, single submitter. Criteria: GeneDx Variant Classification Process June 2021. Collection method: clinical testing. Allele origin: germline. Affected: yes.
Comment: In silico analysis supports that this missense variant has a deleterious effect on protein structure/function; Has not been previously published as pathogenic or benign to our knowledge

St. Jude Molecular Pathology, St. Jude Children's Research Hospital
Classification: Uncertain significance for Thrombocytopenia 2. Last evaluated: 2023-03-09. Review status: criteria provided, single submitter. Criteria: St. Jude Assertion Criteria 2020. Collection method: clinical testing. Allele origin: germline.
Comment: The ANKRD26 c.320A>G (p.Asn107Ser) missense change has a maximum subpopulation frequency of 0.0071% in gnomAD v2.1.1. This variant is not located in the 5’ UTR. The in silico tool REVEL is inconclusive about a pathogenic or benign effect of this variant on protein function, and to our knowledge functional studies have not been performed. To our knowledge, this variant has not been reported in the literature in individuals with thrombocytopenia and/or myeloid malignancies. In summary, the evidence currently available is insufficient to determine the clinical significance of this variant. It has therefore been classified as of uncertain significance.

Genetic Services Laboratory, University of Chicago
Classification: Uncertain significance. Last evaluated: 2021-11-22. Review status: criteria provided, single submitter. Criteria: ACMG Guidelines, 2015. Collection method: clinical testing. Allele origin: germline. Affected: no.
Comment: DNA sequence analysis of the ANKRD26 gene demonstrated a sequence change, c.320A>G, in exon 2 that results in an amino acid change, p.Asn107Ser. This sequence change has been described in the gnomAD database with a frequency of 0.007% in the non-Finnish European subpopulation (dbSNP rs756157730). The p.Asn107Ser change affects a poorly conserved amino acid residue located in a domain of the ANKRD26 protein that is known to be functional. In-silico pathogenicity prediction tools (SIFT, PolyPhen2, Align GVGD, REVEL) provide contradictory results for the p.Asn107Ser substitution. This sequence change does not appear to have been previously described in individuals with ANKRD26-related disorders. Due to insufficient evidences and the lack of functional studies, the clinical significance of the p.Asn107Ser change remains unknown at this time.